The following is an entry in ClinVar:

NM_001375905.1(SGMS2):c.1091C>T (p.Ser364Leu)

Genes: CYP2U1-AS1 (CYP2U1 and SGMS2 antisense RNA 1; minus strand), SGMS2 (sphingomyelin synthase 2; plus strand). Cytogenetic location: 4q25.
Variant type: single nucleotide variant.
Coding change: c.1091C>T on transcript NM_001375905.1 (MANE Select); coding-DNA position 1091, C replaced by T.
Protein change: p.Ser364Leu; replaces serine 364 with leucine.
Molecular consequence: missense variant. On other transcripts: 3 prime UTR variant (1).
Genome position (GRCh38, 1-based): chr4:107,910,546, C>T. VCF-style: chr4-107910546-C-T. GRCh37 (hg19) VCF-style: chr4-108831702-C-T.
Other names: c.1091C>T, p.Ser364Leu (NM_001136257.2, NM_001136258.2, NM_001375906.1 and 3 more transcripts); c.*195C>T (NM_001375910.1); c.572C>T, p.Ser191Leu (NM_001375911.1); short protein forms S364L, S191L.
Identifiers: ClinVar variation 4774774 (VCV004774774.1).
Genomic context (GRCh38, chr4:107,910,546, plus strand): 5'-TCAAATCATCATGCAAAAAGTATTCACGGGTTCAGAAGATTGGTGAAGACAATGAGAAAT[C>T]GACCTGAGGAGCAAAACAAAGGCATCAGCTCTTACACCAAAAGAGTTAACGCTGTAACCA-3'
Protein context (NP_001362834.1, residues 354-365): VQKIGEDNEK[Ser364Leu]T

ClinVar aggregate classification (germline): Uncertain significance (1 of 4 stars; one submission).

gnomAD v4.1: 17 of 1,613,694 alleles (0.0011%); highest among the groups gnomAD compares: East Asian, 0.0045%; no homozygotes.

Submission:

Labcorp Genetics (formerly Invitae), Labcorp
Classification: Uncertain significance. Last evaluated: 2026-01-26. Review status: criteria provided, single submitter. Criteria: Invitae Variant Classification Sherloc (09022015). Collection method: clinical testing. Allele origin: germline.
Comment: This sequence change replaces serine, which is neutral and polar, with leucine, which is neutral and non-polar, at codon 364 of the SGMS2 protein (p.Ser364Leu). This variant is not present in population databases (gnomAD no frequency). This variant has not been reported in the literature in individuals affected with SGMS2-related conditions. An algorithm developed to predict the effect of missense changes on protein structure and function (PolyPhen-2) suggests that this variant is likely to be tolerated. In summary, the available evidence is currently insufficient to determine the role of this variant in disease. Therefore, it has been classified as a Variant of Uncertain Significance.